The following is an entry in ClinVar:

NM_001365536.1(SCN9A):c.4207-5T>A

Genes: SCN1A-AS1 (SCN1A and SCN9A antisense RNA 1; plus strand), SCN9A (sodium voltage-gated channel alpha subunit 9; minus strand). Cytogenetic location: 2q24.3.
Variant type: single nucleotide variant.
Coding change: c.4207-5T>A on transcript NM_001365536.1 (MANE Select); 5 bases into the intron before coding-DNA position 4207, T replaced by A.
Molecular consequence: intron variant.
Genome position (GRCh38, 1-based): chr2:166,227,728, A>T on the plus strand (T>A on the coding strand, the complement: SCN9A is on the minus strand). VCF-style: chr2-166227728-A-T. GRCh37 (hg19) VCF-style: chr2-167084238-A-T.
Other names: c.4174-5T>A (NM_002977.4).
Identifiers: ClinVar variation 962749 (VCV000962749.10), dbSNP rs1694899287, ClinGen allele CA1139657316.
Genomic context (GRCh38, chr2:166,227,728, plus strand): 5'-ACATTAACAGAATCCACTGCTGCATACATAATAATCGTCCATCCCTTAAAAGTTGCCTTT[A>T]AGAATAACATTAATAGAATTTGAATGTTAAGCTCATATTCTAAAATAGCCATAAACAGAG-3'

ClinVar aggregate classification (germline): Uncertain significance (1 of 4 stars; one submission).

Conditions:
Generalized epilepsy with febrile seizures plus, type 7 (GEFSP7). Also called: GEFS+, TYPE 7. Identifiers: Orphanet 36387, MedGen C2751778, MONDO:0013470, OMIM 613863.
Neuropathy, hereditary sensory and autonomic, type 2A (HSAN2A). Also called: WNK1-Related HSAN2 (HSAN2A); HSAN IIA; MORVAN DISEASE; NEUROPATHY, CONGENITAL SENSORY; NEUROPATHY, HEREDITARY SENSORY RADICULAR, AUTOSOMAL RECESSIVE; NEUROPATHY, HEREDITARY SENSORY, TYPE IIA. Identifiers: Orphanet 970, MedGen C2752089, MONDO:0024309, OMIM 201300.

Submission:

Labcorp Genetics (formerly Invitae), Labcorp
Classification: Uncertain significance for Neuropathy, hereditary sensory and autonomic, type 2A; Generalized epilepsy with febrile seizures plus, type 7. Last evaluated: 2019-11-03. Review status: criteria provided, single submitter. Criteria: Invitae Variant Classification Sherloc (09022015). Collection method: clinical testing. Allele origin: germline.
Comment: In summary, the available evidence is currently insufficient to determine the role of this variant in disease. Therefore, it has been classified as a Variant of Uncertain Significance. Algorithms developed to predict the effect of sequence changes on RNA splicing suggest that this variant may disrupt the consensus splice site, but this prediction has not been confirmed by published transcriptional studies. This variant has not been reported in the literature in individuals with SCN9A-related conditions. This variant is not present in population databases (ExAC no frequency). This sequence change falls in intron 22 of the SCN9A gene. It does not directly change the encoded amino acid sequence of the SCN9A protein.